The following is an entry in ClinVar:

ClinVar aggregate classification (germline): Uncertain significance (1 of 4 stars; one submission).

Conditions:
Cardiovascular phenotype. Identifiers: MedGen CN230736.
Hereditary cancer-predisposing syndrome. Also called: Tumor predisposition; Neoplastic Syndromes, Hereditary; Hereditary Cancer Syndrome; Hereditary neoplastic syndrome. Identifiers: Orphanet 140162, MedGen C0027672, MeSH D009386, MONDO:0015356.

Submission:

Ambry Genetics
Classification: Uncertain significance for Cardiovascular phenotype; Hereditary cancer-predisposing syndrome. Last evaluated: 2025-02-03. Review status: criteria provided, single submitter. Criteria: Ambry Variant Classification Scheme 2023. Collection method: clinical testing. Allele origin: germline.
Comment: The p.C383S variant (also known as c.1148G>C), located in coding exon 10 of the NF1 gene, results from a G to C substitution at nucleotide position 1148. The cysteine at codon 383 is replaced by serine, an amino acid with dissimilar properties. This amino acid position is conserved. In addition, this alteration is predicted to be deleterious by in silico analysis. Based on the available evidence, the clinical significance of this variant remains unclear.

NM_001042492.3(NF1):c.1148G>C (p.Cys383Ser)

Gene: NF1 (neurofibromin 1; plus strand). Cytogenetic location: 17q11.2.
Variant type: single nucleotide variant.
Coding change: c.1148G>C on transcript NM_001042492.3 (MANE Select); coding-DNA position 1148, G replaced by C.
Protein change: p.Cys383Ser; replaces cysteine 383 with serine.
Molecular consequence: missense variant.
Genome position (GRCh38, 1-based): chr17:31,201,122, G>C. VCF-style: chr17-31201122-G-C. GRCh37 (hg19) VCF-style: chr17-29528140-G-C.
Other names: c.1148G>C, p.Cys383Ser (NM_000267.4, NM_001128147.3); short protein forms C383S.
Identifiers: ClinVar variation 3879088 (VCV003879088.1).